The following is an entry in ClinVar:

ClinVar aggregate classification (germline): Uncertain significance (1 of 4 stars; one submission).

Allele frequency attached by ClinVar (database versions not stated): ExAC 0.00002; gnomAD 0.00004; gnomAD exomes 0.00004 and 0.00008; TOPMed 0.00004; ESP Exome Variant Server 0.00008.
gnomAD v4.1: 139 of 1,613,994 alleles (0.0086%); highest among the groups gnomAD compares: Non-Finnish European, 0.01%; no homozygotes.

Submission:

Labcorp Genetics (formerly Invitae), Labcorp
Classification: Uncertain significance. Last evaluated: 2020-12-09. Review status: criteria provided, single submitter. Criteria: Invitae Variant Classification Sherloc (09022015). Collection method: clinical testing. Allele origin: germline.
Comment: This variant has not been reported in the literature in individuals with ADD3-related conditions. This sequence change replaces serine with phenylalanine at codon 414 of the ADD3 protein (p.Ser414Phe). The serine residue is moderately conserved and there is a large physicochemical difference between serine and phenylalanine. This variant is present in population databases (rs145002155, ExAC 0.004%). Algorithms developed to predict the effect of missense changes on protein structure and function are either unavailable or do not agree on the potential impact of this missense change (SIFT: "Not Available"; PolyPhen-2: "Possibly Damaging"; Align-GVGD: "Not Available"). In summary, the available evidence is currently insufficient to determine the role of this variant in disease. Therefore, it has been classified as a Variant of Uncertain Significance.

NM_016824.5(ADD3):c.1241C>T (p.Ser414Phe)

Gene: ADD3 (adducin 3; plus strand). Cytogenetic location: 10q25.2.
Variant type: single nucleotide variant.
Coding change: c.1241C>T on transcript NM_016824.5 (MANE Select); coding-DNA position 1241, C replaced by T.
Protein change: p.Ser414Phe; replaces serine 414 with phenylalanine.
Molecular consequence: missense variant.
Genome position (GRCh38, 1-based): chr10:110,124,114, C>T. VCF-style: chr10-110124114-C-T. GRCh37 (hg19) VCF-style: chr10-111883872-C-T.
Other names: c.1241C>T, p.Ser414Phe (NM_001121.4, NM_001320591.2, NM_001320592.2 and 2 more transcripts); c.1007C>T, p.Ser336Phe (NM_001320594.2); short protein forms S336F, S414F.
Identifiers: ClinVar variation 1431625 (VCV001431625.5), dbSNP rs145002155, ClinGen allele CA5686573.